The following is an entry in ClinVar:

NM_001127222.2(CACNA1A):c.18C>T (p.Asp6=)

Gene: CACNA1A (calcium voltage-gated channel subunit alpha1 A; minus strand). Cytogenetic location: 19p13.13.
Variant type: single nucleotide variant.
Coding change: c.18C>T on transcript NM_001127222.2 (MANE Select); coding-DNA position 18, C replaced by T.
Protein change: p.Asp6=; no amino-acid change (aspartic acid 6 retained).
Molecular consequence: synonymous variant.
Genome position (GRCh38, 1-based): chr19:13,506,207, G>A on the plus strand (C>T on the coding strand, the complement: CACNA1A is on the minus strand). VCF-style: chr19-13506207-G-A. GRCh37 (hg19) VCF-style: chr19-13617021-G-A.
Other names: c.18C>T, p.Asp6= (NM_000068.4, NM_001127221.2, NM_001174080.2 and 1 more transcripts).
Identifiers: ClinVar variation 2684110 (VCV002684110.1), dbSNP rs2513710382, ClinGen allele CA505802617.

ClinVar aggregate classification (germline): Uncertain significance (1 of 4 stars; one submission).

Allele frequency attached by ClinVar (database versions not stated): gnomAD exomes below 0.00001.
gnomAD v4.1: 3 of 1,490,018 alleles (0.0002%); highest among the groups gnomAD compares: Non-Finnish European, 0.000089%; no homozygotes.

Submission:

Athena Diagnostics
Classification: Uncertain significance. Last evaluated: 2023-06-26. Review status: criteria provided, single submitter. Criteria: Athena Diagnostics Criteria. Collection method: clinical testing. Allele origin: unknown.
Comment: Available data are insufficient to determine the clinical significance of the variant at this time. This variant has not been reported in large, multi-ethnic general populations. Computational tools yielded predictions that this variant is unlikely to have an effect on normal RNA splicing.